The following is an entry in ClinVar:

NM_000484.4(APP):c.1137C>T (p.Leu379=)

Gene: APP (amyloid beta precursor protein; minus strand). Cytogenetic location: 21q21.3.
Variant type: single nucleotide variant.
Coding change: c.1137C>T on transcript NM_000484.4 (MANE Select); coding-DNA position 1137, C replaced by T.
Protein change: p.Leu379=; no amino-acid change (leucine 379 retained).
Molecular consequence: synonymous variant.
Genome position (GRCh38, 1-based): chr21:25,982,431, G>A on the plus strand (C>T on the coding strand, the complement: APP is on the minus strand). VCF-style: chr21-25982431-G-A. GRCh37 (hg19) VCF-style: chr21-27354744-G-A.
Other names: c.1065C>T, p.Leu355= (NM_001136016.3); c.744C>T, p.Leu248= (NM_001136129.3); c.969C>T, p.Leu323= (NM_001136130.3, NM_001385253.1); c.807C>T, p.Leu269= (NM_001136131.3); c.1137C>T, p.Leu379= (NM_001204301.2); c.1080C>T, p.Leu360= (NM_001204302.2, NM_201413.3); c.912C>T, p.Leu304= (NM_001204303.2, NM_201414.3).
Identifiers: ClinVar variation 1553359 (VCV001553359.37), dbSNP rs199526286, ClinGen allele CA9987399.

ClinVar aggregate classification (germline): Likely benign. Review status: criteria provided, multiple submitters, no conflicts (2 of 4 stars). 3 submissions from 3 submitters: Likely benign (3). Last evaluated 2025-03-10.

Conditions:
Alzheimer disease. Also called: Presenile and senile dementia; Alzheimer's disease. Identifiers: Orphanet 1020, MedGen C0002395, MeSH D000544, MONDO:0004975, HP:0002511.

Allele frequency attached by ClinVar (database versions not stated): gnomAD exomes 0.00001; gnomAD 0.00003.
gnomAD v4.1: 25 of 1,613,520 alleles (0.0015%); highest among the groups gnomAD compares: Admixed American, 0.0033%; no homozygotes.

Submissions (3):

Women's Health and Genetics/Laboratory Corporation of America, LabCorp
Classification: Likely benign. Last evaluated: 2025-03-10. Review status: criteria provided, single submitter. Criteria: LabCorp Variant Classification Summary - May 2015. Collection method: clinical testing. Allele origin: germline.

Labcorp Genetics (formerly Invitae), Labcorp
Classification: Likely benign for Alzheimer disease. Last evaluated: 2023-08-31. Review status: criteria provided, single submitter. Criteria: Invitae Variant Classification Sherloc (09022015). Collection method: clinical testing. Allele origin: germline.

CeGaT Center for Human Genetics Tuebingen
Classification: Likely benign. Last evaluated: 2022-12-01. Review status: criteria provided, single submitter. Criteria: CeGaT Center For Human Genetics Tuebingen Variant Classification Criteria Version 2. Collection method: clinical testing. Allele origin: germline. Affected: yes. Observed: 1 variant allele.
Comment: APP: BP4, BP7